The following is an entry in ClinVar:

NM_001614.5(ACTG1):c.-24C>T

Gene: ACTG1 (actin gamma 1; minus strand). Cytogenetic location: 17q25.3.
Variant type: single nucleotide variant.
Coding change: c.-24C>T on transcript NM_001614.5 (MANE Select); 24 bases upstream of the start codon, C replaced by T.
Molecular consequence: 5 prime UTR variant. On other transcripts: non-coding transcript variant (1).
Genome position (GRCh38, 1-based): chr17:81,512,751, G>A on the plus strand (C>T on the coding strand, the complement: ACTG1 is on the minus strand). VCF-style: chr17-81512751-G-A. GRCh37 (hg19) VCF-style: chr17-79479777-G-A.
Other names: c.-143C>T (NM_001199954.3).
Identifiers: ClinVar variation 382187 (VCV000382187.1), dbSNP rs149163199, ClinGen allele CA8836495.
Genomic context (GRCh38, chr17:81,512,751, plus strand): 5'-AGGCCTGCGACGTCCAGCTCAGGCCCCGGGGCGGGGCGCTCACCGGCAGAGAAACGCGAC[G>A]GCGGAGCGGCGGAAGAACAGAGTGCGAGAGCTGGCAGCGGCGACTGAGACCGACCGCGGC-3'

ClinVar aggregate classification (germline): Benign (1 of 4 stars; one submission).

Allele frequency attached by ClinVar (database versions not stated): ExAC 0.00024; gnomAD exomes 0.00063; 1000 Genomes Project 0.00439; gnomAD 0.00453 and 0.00477; TOPMed 0.00503; 1000 Genomes Project 30x 0.00547.

Submission:

GeneDx
Classification: Benign. Last evaluated: 2016-12-09. Review status: criteria provided, single submitter. Criteria: GeneDx Variant Classification (06012015). Collection method: clinical testing. Allele origin: germline. Affected: yes.
Comment: This variant is considered likely benign or benign based on one or more of the following criteria: it is a conservative change, it occurs at a poorly conserved position in the protein, it is predicted to be benign by multiple in silico algorithms, and/or has population frequency not consistent with disease.